The following is an entry in ClinVar:

NM_007118.4(TRIO):c.4041C>G (p.Ile1347Met)

Gene: TRIO (trio Rho guanine nucleotide exchange factor; plus strand). Cytogenetic location: 5p15.2.
Variant type: single nucleotide variant.
Coding change: c.4041C>G on transcript NM_007118.4 (MANE Select); coding-DNA position 4041, C replaced by G.
Protein change: p.Ile1347Met; replaces isoleucine 1347 with methionine.
Molecular consequence: missense variant. On other transcripts: non-coding transcript variant (1).
Genome position (GRCh38, 1-based): chr5:14,389,381, C>G. VCF-style: chr5-14389381-C-G. GRCh37 (hg19) VCF-style: chr5-14389490-C-G.
Other names: short protein forms I1347M.
Identifiers: ClinVar variation 3907901 (VCV003907901.1).

ClinVar aggregate classification (germline): Uncertain significance (1 of 4 stars; one submission).

Submission:

GeneDx
Classification: Uncertain significance. Last evaluated: 2024-12-25. Review status: criteria provided, single submitter. Criteria: GeneDx Variant Classification Process June 2021. Collection method: clinical testing. Allele origin: germline. Affected: yes.
Comment: Not observed at significant frequency in large population cohorts (gnomAD); In silico analysis supports a deleterious effect on splicing; In silico analysis indicates that this missense variant does not alter protein structure/function; Has not been previously published as pathogenic or benign to our knowledge